The following is an entry in ClinVar:

NM_001164508.2(NEB):c.19944+1del

Gene: NEB (nebulin; minus strand). Cytogenetic location: 2q23.3.
Variant type: Deletion.
Coding change: c.19944+1del on transcript NM_001164508.2 (MANE Select); the canonical splice donor site of the intron after coding-DNA position 19944, one base deleted (G; older notation c.19944+1delG).
Molecular consequence: splice donor variant.
Genome position (GRCh38, 1-based): chr2:151,551,737, C deleted on the plus strand (G on the coding strand, the reverse complement: NEB is on the minus strand); the first of 2 consecutive C bases (chr2:151,551,737-151,551,738); deleting either gives the same sequence. VCF-style (leftmost placement, unchanged base first): chr2-151551736-AC-A. GRCh37 (hg19) VCF-style: chr2-152408250-AC-A.
Other names: c.14841+1del (NM_004543.5); c.19944+1del (NM_001164507.2, NM_001271208.2).
Identifiers: ClinVar variation 4814745 (VCV004814745.1).

ClinVar aggregate classification (germline): Likely pathogenic (1 of 4 stars; one submission).

Conditions:
Nemaline myopathy 2 (NEM2). Also called: Nemaline myopathy 2, autosomal recessive. Identifiers: MedGen C1850569, MONDO:0009725, OMIM 256030.

Submission:

Natera, Inc.
Classification: Likely pathogenic for Nemaline myopathy type 2. Last evaluated: 2024-04-18. Review status: criteria provided, single submitter. Criteria: Natera Variant Classification Schema (03/2026). Collection method: clinical testing. Allele origin: germline.
Comment: The c.19944+1delG variant in NEB is a canonical splice donor site variant predicted to affect pre-mRNA splicing, which may result in an abnormal transcript and altered protein product. This variant is expected to result in nonsense mediated decay, truncation, or a dysfunctional protein product. This variant is rare in the general population with a frequency below the threshold expected for the associated phenotype(s). Given the available evidence, this variant is classified as Likely Pathogenic.